The following is an entry in ClinVar:

NM_000264.5(PTCH1):c.2716C>G (p.Arg906Gly)

Gene: PTCH1 (patched 1; minus strand). Cytogenetic location: 9q22.32.
Variant type: single nucleotide variant.
Coding change: c.2716C>G on transcript NM_000264.5 (MANE Select); coding-DNA position 2716, C replaced by G.
Protein change: p.Arg906Gly; replaces arginine 906 with glycine.
Molecular consequence: missense variant. On other transcripts: non-coding transcript variant (1).
Genome position (GRCh38, 1-based): chr9:95,459,771, G>C on the plus strand (C>G on the coding strand, the complement: PTCH1 is on the minus strand). VCF-style: chr9-95459771-G-C. GRCh37 (hg19) VCF-style: chr9-98222053-G-C.
Other names: c.2518C>G, p.Arg840Gly (NM_001083602.3); c.2713C>G, p.Arg905Gly (NM_001083603.3); c.2263C>G, p.Arg755Gly (NM_001083604.3, NM_001083605.3, NM_001083606.3 and 1 more transcripts); c.2560C>G, p.Arg854Gly (NM_001354918.2); short protein forms R755G, R840G, R906G, R854G, R905G.
Identifiers: ClinVar variation 821704 (VCV000821704.5), dbSNP rs1588545099, ClinGen allele CA374113234.

ClinVar aggregate classification (germline): Uncertain significance (1 of 4 stars; one submission).

Conditions:
Hereditary cancer-predisposing syndrome. Also called: Tumor predisposition; Hereditary Cancer Syndrome; Neoplastic Syndromes, Hereditary; Hereditary neoplastic syndrome. Identifiers: Orphanet 140162, MedGen C0027672, MeSH D009386, MONDO:0015356.

Submission:

Ambry Genetics
Classification: Uncertain significance for Hereditary cancer-predisposing syndrome. Last evaluated: 2026-07-28. Review status: criteria provided, single submitter. Criteria: Ambry Variant Classification Scheme 2023. Collection method: clinical testing. Allele origin: germline.
Comment: The p.R906G variant (also known as c.2716C>G), located in coding exon 17 of the PTCH1 gene, results from a C to G substitution at nucleotide position 2716. The arginine at codon 906 is replaced by glycine, an amino acid with dissimilar properties. This amino acid position is highly conserved in available vertebrate species. In addition, this alteration is predicted to be deleterious by in silico analysis. Based on the available evidence, the clinical significance of this variant remains unclear.